The following is an entry in ClinVar:

ClinVar aggregate classification (germline): Uncertain significance (1 of 4 stars; one submission).

Conditions:
Hereditary cancer-predisposing syndrome. Also called: Neoplastic Syndromes, Hereditary; Tumor predisposition; Hereditary Cancer Syndrome; Hereditary neoplastic syndrome. Identifiers: Orphanet 140162, MedGen C0027672, MeSH D009386, MONDO:0015356.

Allele frequency attached by ClinVar (database versions not stated): gnomAD exomes below 0.00001.
gnomAD v4.1: 1 of 1,613,982 alleles (0.000062%); highest among the groups gnomAD compares: Non-Finnish European, 0.000085%; no homozygotes.

Submission:

Ambry Genetics
Classification: Uncertain significance for Hereditary cancer-predisposing syndrome. Last evaluated: 2025-05-07. Review status: criteria provided, single submitter. Criteria: Ambry Variant Classification Scheme 2023. Collection method: clinical testing. Allele origin: germline.
Comment: The p.Q2291R variant (also known as c.6872A>G), located in coding exon 15 of the APC gene, results from an A to G substitution at nucleotide position 6872. The glutamine at codon 2291 is replaced by arginine, an amino acid with highly similar properties. This amino acid position is not well conserved in available vertebrate species. In addition, in silico predictors for this gene do not accurately predict pathogenicity. Missense alterations in APC are not a common cause of disease (Spier I et al. Genet Med. 2024 Feb;26(2):100992). Based on the available evidence, the clinical significance of this variant remains unclear.

NM_000038.6(APC):c.6872A>G (p.Gln2291Arg)

Gene: APC (APC regulator of Wnt signaling pathway; plus strand). Cytogenetic location: 5q22.2.
Variant type: single nucleotide variant.
Coding change: c.6872A>G on transcript NM_000038.6 (MANE Select); coding-DNA position 6872, A replaced by G.
Protein change: p.Gln2291Arg; replaces glutamine 2291 with arginine.
Molecular consequence: missense variant.
Genome position (GRCh38, 1-based): chr5:112,842,466, A>G. VCF-style: chr5-112842466-A-G. GRCh37 (hg19) VCF-style: chr5-112178163-A-G.
Other names: c.6872A>G, p.Gln2291Arg (NM_001127510.3, NM_001354895.2); c.6818A>G, p.Gln2273Arg (NM_001127511.3); c.6926A>G, p.Gln2309Arg (NM_001354896.2); c.6902A>G, p.Gln2301Arg (NM_001354897.2); c.6797A>G, p.Gln2266Arg (NM_001354898.2); c.6788A>G, p.Gln2263Arg (NM_001354899.2); c.6749A>G, p.Gln2250Arg (NM_001354900.2); c.6695A>G, p.Gln2232Arg (NM_001354901.2); and 5 more; short protein forms Q2291R, Q2273R, Q2131R, Q2263R, Q2190R, Q2250R, Q2266R, Q2165R.
Identifiers: ClinVar variation 482334 (VCV000482334.6), dbSNP rs1554087813, ClinGen allele CA16036330.